The following is an entry in ClinVar:

NM_019066.5(MAGEL2):c.448T>C (p.Ser150Pro)

Gene: MAGEL2 (MAGE family member L2; minus strand). Cytogenetic location: 15q11.2.
Variant type: single nucleotide variant.
Coding change: c.448T>C on transcript NM_019066.5 (MANE Select); coding-DNA position 448, T replaced by C.
Protein change: p.Ser150Pro; replaces serine 150 with proline.
Molecular consequence: missense variant.
Genome position (GRCh38, 1-based): chr15:23,647,295, A>G on the plus strand (T>C on the coding strand, the complement: MAGEL2 is on the minus strand). VCF-style: chr15-23647295-A-G. GRCh37 (hg19) VCF-style: chr15-23892442-A-G.
Other names: c.448T>C (NM_019066.4); short protein forms S150P.
Identifiers: ClinVar variation 193407 (VCV000193407.14), dbSNP rs541262134, ClinGen allele CA238927.
Genomic context (GRCh38, chr15:23,647,295, plus strand): 5'-CCATCGGGGTCCCCGGAGGAGGAGGATGGGCCATTGGGGTCCCCGGAGGGGGAGGGTGGG[A>G]CATTGGGGTCCCCGGAGGAGGAGGATGGGCCATGGGAGCTCCGGGAGCTGAAGGATGCAC-3'
Protein context (NP_061939.3, residues 140-160): AHPPPPGTPM[Ser150Pro]HPPPPGTPMA

ClinVar aggregate classification (germline): Conflicting classifications of pathogenicity. Review status: criteria provided, conflicting classifications (1 of 4 stars). 4 submissions from 4 submitters: Uncertain significance (2); Likely benign (2). Last evaluated 2026-07-14.

Conditions:
MAGEL2-related disorder. Also called: MAGEL2-related condition.
Inborn genetic diseases. Identifiers: MedGen C0950123, MeSH D030342.

Allele frequency attached by ClinVar (database versions not stated): ExAC 0.00007; gnomAD 0.00012; TOPMed 0.00012.
gnomAD v4.1: 358 of 1,522,674 alleles (0.024%); highest among the groups gnomAD compares: Non-Finnish European, 0.03%; 1 homozygote.

Submissions (4):

PreventionGenetics, part of Exact Sciences
Classification: Likely benign for MAGEL2-related condition. Last evaluated: 2026-07-14. Review status: criteria provided, single submitter. Criteria: ACMG Guidelines, 2015. Collection method: clinical testing. Allele origin: germline.
Comment: This variant is classified as likely benign based on ACMG/AMP sequence variant interpretation guidelines (Richards et al. 2015 PMID: 25741868, with internal and published modifications).

Labcorp Genetics (formerly Invitae), Labcorp
Classification: Uncertain significance. Last evaluated: 2025-07-16. Review status: criteria provided, single submitter. Criteria: Invitae Variant Classification Sherloc (09022015). Collection method: clinical testing. Allele origin: germline.
Comment: This sequence change replaces serine, which is neutral and polar, with proline, which is neutral and non-polar, at codon 150 of the MAGEL2 protein (p.Ser150Pro). This variant is present in population databases (rs541262134, gnomAD 0.02%). This variant has not been reported in the literature in individuals affected with MAGEL2-related conditions. ClinVar contains an entry for this variant (Variation ID: 193407). Experimental studies and prediction algorithms are not available or were not evaluated, and the functional significance of this variant is currently unknown. In summary, the available evidence is currently insufficient to determine the role of this variant in disease. Therefore, it has been classified as a Variant of Uncertain Significance.

Ambry Genetics
Classification: Likely benign for Inborn genetic diseases. Last evaluated: 2022-06-29. Review status: criteria provided, single submitter. Criteria: Ambry Variant Classification Scheme 2023. Collection method: clinical testing. Allele origin: germline.

Eurofins Ntd Llc (ga)
Classification: Uncertain significance. Last evaluated: 2015-01-29. Review status: criteria provided, single submitter. Criteria: EGL Classification Definitions 2015. Collection method: clinical testing. Allele origin: germline. Observed: 2 variant alleles, 2 heterozygotes.